The following is an entry in ClinVar:

NM_000179.3(MSH6):c.2858A>G (p.Glu953Gly)

Gene: MSH6 (mutS homolog 6; plus strand). Cytogenetic location: 2p16.3.
Variant type: single nucleotide variant.
Coding change: c.2858A>G on transcript NM_000179.3 (MANE Select); coding-DNA position 2858, A replaced by G.
Protein change: p.Glu953Gly; replaces glutamic acid 953 with glycine.
Molecular consequence: missense variant.
Genome position (GRCh38, 1-based): chr2:47,800,841, A>G. VCF-style: chr2-47800841-A-G. GRCh37 (hg19) VCF-style: chr2-48027980-A-G.
Other names: c.2468A>G, p.Glu823Gly (NM_001281492.2); c.1952A>G, p.Glu651Gly (NM_001281493.2, NM_001281494.2); short protein forms E953G, E651G, E823G.
Identifiers: ClinVar variation 232350 (VCV000232350.10), dbSNP rs876659713, ClinGen allele CA10578122.
Genomic context (GRCh38, chr2:47,800,841, plus strand): 5'-TTGACTCTGATTATGACCAAGCTCTTGCTGACATAAGAGAAAATGAACAGAGCCTCCTGG[A>G]ATACCTAGAGAAACAGCGCAACAGAATTGGCTGTAGGACCATAGTCTATTGGGGGATTGG-3'
Protein context (NP_000170.1, residues 943-963): DIRENEQSLL[Glu953Gly]YLEKQRNRIG

ClinVar aggregate classification (germline): Conflicting classifications of pathogenicity. Review status: criteria provided, conflicting classifications (1 of 4 stars). 2 submissions from 2 submitters: Uncertain significance (1); Likely benign (1). Last evaluated 2022-03-21.

Conditions:
Hereditary nonpolyposis colorectal neoplasms. Identifiers: MedGen C0009405, MeSH D003123.
Hereditary cancer-predisposing syndrome. Also called: Neoplastic Syndromes, Hereditary; Tumor predisposition; Hereditary Cancer Syndrome; Hereditary neoplastic syndrome. Identifiers: Orphanet 140162, MedGen C0027672, MeSH D009386, MONDO:0015356.

Allele frequency attached by ClinVar (database versions not stated): gnomAD exomes below 0.00001.
gnomAD v4.1: 3 of 1,614,110 alleles (0.00019%); highest among the groups gnomAD compares: Non-Finnish European, 0.00025%; no homozygotes.

Submissions (2):

Labcorp Genetics (formerly Invitae), Labcorp
Classification: Likely benign for Hereditary nonpolyposis colorectal neoplasms. Last evaluated: 2022-03-21. Review status: criteria provided, single submitter. Criteria: Invitae Variant Classification Sherloc (09022015). Collection method: clinical testing. Allele origin: germline.

Ambry Genetics
Classification: Uncertain significance for Hereditary cancer-predisposing syndrome. Last evaluated: 2015-08-04. Review status: criteria provided, single submitter. Criteria: Ambry Variant Classification Scheme 2023. Collection method: clinical testing. Allele origin: germline.
Comment: The p.E953G variant (also known as c.2858A>G), located in coding exon 4 of the MSH6 gene, results from an A to G substitution at nucleotide position 2858. The glutamic acid at codon 953 is replaced by glycine, an amino acid with similar properties. This variant was not reported in population based cohorts in the following databases: Database of Single Nucleotide Polymorphisms (dbSNP), NHLBI Exome Sequencing Project (ESP), and 1000 Genomes Project. In the ESP, this variant was not observed in 6503 samples (13006 alleles) with coverage at this position. To date, this alteration has been detected with an allele frequency of approximately 0.002% (greater than 65000 alleles tested) in our clinical cohort. This amino acid position is poorly conserved in available vertebrate species. In addition, the in silico prediction for this alteration is inconclusive. Since supporting evidence is limited at this time, the clinical significance of p.E953G remains unclear.